The following is an entry in ClinVar:

NM_001242896.3(DEPDC5):c.2486C>T (p.Pro829Leu)

Gene: DEPDC5 (DEP domain containing 5, GATOR1 subcomplex subunit; plus strand). Cytogenetic location: 22q12.3.
Variant type: single nucleotide variant.
Coding change: c.2486C>T on transcript NM_001242896.3 (MANE Select); coding-DNA position 2486, C replaced by T.
Protein change: p.Pro829Leu; replaces proline 829 with leucine.
Molecular consequence: missense variant. On other transcripts: non-coding transcript variant (5).
Genome position (GRCh38, 1-based): chr22:31,838,816, C>T. VCF-style: chr22-31838816-C-T. GRCh37 (hg19) VCF-style: chr22-32234802-C-T.
Other names: c.2459C>T, p.Pro820Leu (NM_001136029.4, NM_001369903.1, NM_014662.6); c.2252C>T, p.Pro751Leu (NM_001242897.2, NM_001363854.2, NM_001364319.2); c.2486C>T, p.Pro829Leu (NM_001363852.2, NM_001364318.2, NM_001364320.2); c.2402C>T, p.Pro801Leu (NM_001369901.1, NM_001369902.1); short protein forms P751L, P829L, P801L, P820L.
Identifiers: ClinVar variation 534795 (VCV000534795.13), dbSNP rs370487077, ClinGen allele CA10196726.

ClinVar aggregate classification (germline): Uncertain significance. Review status: criteria provided, multiple submitters, no conflicts (2 of 4 stars). 3 submissions from 3 submitters: Uncertain significance (3). Last evaluated 2025-09-16.

Conditions:
Familial focal epilepsy with variable foci (FPEVF). Identifiers: Orphanet 98820, MedGen C1858477, MONDO:0020310.
Inborn genetic diseases. Identifiers: MedGen C0950123, MeSH D030342.

Allele frequency attached by ClinVar (database versions not stated): ExAC 0.00002; gnomAD 0.00003 and 0.00004; gnomAD exomes 0.00003; TOPMed 0.00004; ESP Exome Variant Server 0.00017.
gnomAD v4.1: 31 of 1,613,938 alleles (0.0019%); highest among the groups gnomAD compares: African/African-American, 0.0027%; no homozygotes.

Submissions (3):

Labcorp Genetics (formerly Invitae), Labcorp
Classification: Uncertain significance for Familial focal epilepsy with variable foci. Last evaluated: 2025-09-16. Review status: criteria provided, single submitter. Criteria: Invitae Variant Classification Sherloc (09022015). Collection method: clinical testing. Allele origin: germline.
Comment: This sequence change replaces proline, which is neutral and non-polar, with leucine, which is neutral and non-polar, at codon 829 of the DEPDC5 protein (p.Pro829Leu). This variant is present in population databases (rs370487077, gnomAD 0.01%). This variant has not been reported in the literature in individuals affected with DEPDC5-related conditions. ClinVar contains an entry for this variant (Variation ID: 534795). Experimental studies and prediction algorithms are not available or were not evaluated, and the functional significance of this variant is currently unknown. In summary, the available evidence is currently insufficient to determine the role of this variant in disease. Therefore, it has been classified as a Variant of Uncertain Significance.

Ambry Genetics
Classification: Uncertain significance for Inborn genetic diseases. Last evaluated: 2023-03-28. Review status: criteria provided, single submitter. Criteria: Ambry Variant Classification Scheme 2023. Collection method: clinical testing. Allele origin: germline.

Laboratorio de Genetica e Diagnostico Molecular, Hospital Israelita Albert Einstein
Classification: Uncertain significance. Last evaluated: 2021-02-19. Review status: criteria provided, single submitter. Criteria: ACMG Guidelines, 2015. Collection method: clinical testing. Allele origin: germline. Affected: yes.
Comment: ACMG classification criteria: PM2, BP4